The following is an entry in ClinVar:

ClinVar aggregate classification (germline): Conflicting classifications of pathogenicity. Review status: criteria provided, conflicting classifications (1 of 4 stars). 4 submissions from 4 submitters: Uncertain significance (3); Likely benign (1). Last evaluated 2025-06-22.

Conditions:
Inborn genetic diseases. Identifiers: MedGen C0950123, MeSH D030342.

Allele frequency attached by ClinVar (database versions not stated): gnomAD 0.00003 and 0.00004; TOPMed 0.00003; 1000 Genomes Project 30x 0.00016; 1000 Genomes Project 0.00040.
gnomAD v4.1: 7 of 1,482,394 alleles (0.00047%); highest among the groups gnomAD compares: African/African-American, 0.0073%; no homozygotes.

Submissions (4):

Ambry Genetics
Classification: Likely benign for Inborn genetic diseases. Last evaluated: 2025-06-22. Review status: criteria provided, single submitter. Criteria: Ambry Variant Classification Scheme 2023. Collection method: clinical testing. Allele origin: germline.

GeneDx
Classification: Uncertain significance. Last evaluated: 2024-09-13. Review status: criteria provided, single submitter. Criteria: GeneDx Variant Classification Process June 2021. Collection method: clinical testing. Allele origin: germline. Affected: yes.
Comment: Not observed at significant frequency in large population cohorts (gnomAD); In silico analysis indicates that this missense variant does not alter protein structure/function; Has not been previously published as pathogenic or benign to our knowledge

Labcorp Genetics (formerly Invitae), Labcorp
Classification: Uncertain significance. Last evaluated: 2022-08-12. Review status: criteria provided, single submitter. Criteria: Invitae Variant Classification Sherloc (09022015). Collection method: clinical testing. Allele origin: germline.
Comment: In summary, the available evidence is currently insufficient to determine the role of this variant in disease. Therefore, it has been classified as a Variant of Uncertain Significance. Algorithms developed to predict the effect of missense changes on protein structure and function output the following: SIFT: "Tolerated"; PolyPhen-2: "Benign"; Align-GVGD: "Class C0". The valine amino acid residue is found in multiple mammalian species, which suggests that this missense change does not adversely affect protein function. ClinVar contains an entry for this variant (Variation ID: 596994). This variant has not been reported in the literature in individuals affected with NDUFAF6-related conditions. This variant is present in population databases (rs570923866, gnomAD 0.02%). This sequence change replaces methionine, which is neutral and non-polar, with valine, which is neutral and non-polar, at codon 33 of the NDUFAF6 protein (p.Met33Val).

Eurofins Ntd Llc (ga)
Classification: Uncertain significance. Last evaluated: 2018-04-18. Review status: criteria provided, single submitter. Criteria: EGL ClinVar v180209 classification definitions. Collection method: clinical testing. Allele origin: germline. Observed: 1 variant allele, 1 heterozygote.

NM_152416.4(NDUFAF6):c.97A>G (p.Met33Val)

Genes: NDUFAF6 (NADH:ubiquinone oxidoreductase complex assembly factor 6; plus strand), LOC113788297 (Sharpr-MPRA regulatory region 2014; plus strand). Cytogenetic location: 8q22.1.
Variant type: single nucleotide variant.
Coding change: c.97A>G on transcript NM_152416.4 (MANE Select); coding-DNA position 97, A replaced by G.
Protein change: p.Met33Val; replaces methionine 33 with valine.
Molecular consequence: missense variant. On other transcripts: 5 prime UTR variant (12), non-coding transcript variant (6), intron variant (7).
Genome position (GRCh38, 1-based): chr8:95,025,105, A>G. VCF-style: chr8-95025105-A-G. GRCh37 (hg19) VCF-style: chr8-96037333-A-G.
Other names: c.-184A>G (NM_001330582.2, NM_001354521.2); c.-137A>G (NM_001354517.2); c.-356A>G (NM_001354518.2); c.-352A>G (NM_001354519.2); c.-701A>G (NM_001354527.2); c.-672A>G (NM_001354528.2); c.-484A>G (NM_001354529.2); c.-586A>G (NM_001354530.2); and 9 more; short protein forms M33V.
Identifiers: ClinVar variation 596994 (VCV000596994.11), dbSNP rs570923866, ClinGen allele CA181467175.